The following is an entry in ClinVar:

ClinVar aggregate classification (germline): Uncertain significance (1 of 4 stars; one submission).

Submission:

Labcorp Genetics (formerly Invitae), Labcorp
Classification: Uncertain significance. Last evaluated: 2022-08-16. Review status: criteria provided, single submitter. Criteria: Invitae Variant Classification Sherloc (09022015). Collection method: clinical testing. Allele origin: germline.
Comment: Algorithms developed to predict the effect of missense changes on protein structure and function are either unavailable or do not agree on the potential impact of this missense change (SIFT: "Deleterious"; PolyPhen-2: "Probably Damaging"; Align-GVGD: "Class C0"). In summary, the available evidence is currently insufficient to determine the role of this variant in disease. Therefore, it has been classified as a Variant of Uncertain Significance. ClinVar contains an entry for this variant (Variation ID: 1445934). This variant has not been reported in the literature in individuals affected with SAMD11-related conditions. This variant is not present in population databases (gnomAD no frequency). This sequence change replaces lysine, which is basic and polar, with threonine, which is neutral and polar, at codon 83 of the SAMD11 protein (p.Lys83Thr).

NM_001385641.1(SAMD11):c.785A>C (p.Lys262Thr)

Gene: SAMD11 (sterile alpha motif domain containing 11; plus strand). Cytogenetic location: 1p36.33.
Variant type: single nucleotide variant.
Coding change: c.785A>C on transcript NM_001385641.1 (MANE Select); coding-DNA position 785, A replaced by C.
Protein change: p.Lys262Thr; replaces lysine 262 with threonine.
Molecular consequence: missense variant.
Genome position (GRCh38, 1-based): chr1:930,330, A>C. VCF-style: chr1-930330-A-C. GRCh37 (hg19) VCF-style: chr1-865710-A-C.
Other names: c.785A>C, p.Lys262Thr (NM_001385640.1); c.248A>C, p.Lys83Thr (NM_152486.4); short protein forms K262T, K83T.
Identifiers: ClinVar variation 1445934 (VCV001445934.6), dbSNP rs954424006, ClinGen allele CA16707215.